The following is an entry in ClinVar:

ClinVar aggregate classification (germline): Uncertain significance (1 of 4 stars; one submission).

Conditions:
Endometrial carcinoma. Also called: Endometrial carcinoma, somatic. Identifiers: MedGen C0476089, MONDO:0002447, OMIM 608089, HP:0012114.

Submission:

Neuberg Centre For Genomic Medicine, NCGM
Classification: Uncertain significance for Endometrial carcinoma. Last evaluated: 2023-05-20. Review status: criteria provided, single submitter. Criteria: ACMG Guidelines, 2015. Collection method: clinical testing. Allele origin: germline. Inheritance: Autosomal dominant inheritance. Affected: yes.
Comment: The observed missense variant c.1881T>G (p.Phe627Leu) in MSH6 gene has not been reported previously as a pathogenic variant nor as a benign variant, to our knowledge. The p.Phe627Leu variant is absent in gnomAD Exomes. This variant has not been submitted to the ClinVar database. Multiple lines of computational evidence (Polyphen - Damaging, SIFT - Damaging and Mutation Taster - Disease causing) predict a damaging effect on protein structure and function for this variant. The amino acid change p.Phe627Leu in MSH6 is predicted as conserved by GERP++ and PhyloP across 100 vertebrates. The amino acid Phe at position 627 is changed to a Leu changing protein sequence and it might alter its composition and physico-chemical properties. For these reasons, this variant has been classified as Variant of Uncertain Significance (VUS).

NM_000179.3(MSH6):c.1881T>G (p.Phe627Leu)

Gene: MSH6 (mutS homolog 6; plus strand). Cytogenetic location: 2p16.3.
Variant type: single nucleotide variant.
Coding change: c.1881T>G on transcript NM_000179.3 (MANE Select); coding-DNA position 1881, T replaced by G.
Protein change: p.Phe627Leu; replaces phenylalanine 627 with leucine.
Molecular consequence: missense variant. On other transcripts: non-coding transcript variant (5), intron variant (2).
Genome position (GRCh38, 1-based): chr2:47,799,864, T>G. VCF-style: chr2-47799864-T-G. GRCh37 (hg19) VCF-style: chr2-48027003-T-G.
Other names: c.1491T>G, p.Phe497Leu (NM_001281492.2); c.975T>G, p.Phe325Leu (NM_001281493.2, NM_001281494.2, NM_001406811.1 and 6 more transcripts); c.1977T>G, p.Phe659Leu (NM_001406795.1, NM_001406802.1); c.1881T>G, p.Phe627Leu (NM_001406796.1, NM_001406798.1, NM_001406800.1 and 3 more transcripts); c.1584T>G, p.Phe528Leu (NM_001406797.1, NM_001406801.1, NM_001406805.1 and 10 more transcripts); c.1356T>G, p.Phe452Leu (NM_001406799.1, NM_001406806.1, NM_001406807.1); c.1803T>G, p.Phe601Leu (NM_001406804.1); c.1887T>G, p.Phe629Leu (NM_001406813.1); and 3 more; short protein forms F325L, F452L, F497L, F528L, F571L, F601L, F627L, F629L.
Identifiers: ClinVar variation 3341390 (VCV003341390.1).
Genomic context (GRCh38, chr2:47,799,864, plus strand): 5'-AATTCTAAAGAGTTCATTGTCCTGTTCTCTTCAGGAAGGTCTGATACCCGGCTCCCAGTT[T>G]TGGGATGCATCCAAAACTTTGAGAACTCTCCTTGAGGAAGAATATTTTAGGGAAAAGCTA-3'
Protein context (NP_000170.1, residues 617-637): LQEGLIPGSQ[Phe627Leu]WDASKTLRTL